The following is an entry in ClinVar:

NM_001330078.2(NRXN1):c.3956C>G (p.Ala1319Gly)

Gene: NRXN1 (neurexin 1; minus strand). Cytogenetic location: 2p16.3.
Variant type: single nucleotide variant.
Coding change: c.3956C>G on transcript NM_001330078.2 (MANE Select); coding-DNA position 3956, C replaced by G.
Protein change: p.Ala1319Gly; replaces alanine 1319 with glycine.
Molecular consequence: missense variant.
Genome position (GRCh38, 1-based): chr2:50,053,443, G>C on the plus strand (C>G on the coding strand, the complement: NRXN1 is on the minus strand). VCF-style: chr2-50053443-G-C. GRCh37 (hg19) VCF-style: chr2-50280581-G-C.
Other names: c.3956C>G, p.Ala1319Gly (NM_001330086.2); c.3755C>G, p.Ala1252Gly (NM_001330087.2, NM_001330096.2); c.3815C>G, p.Ala1272Gly (NM_001330095.2); c.3785C>G, p.Ala1262Gly (NM_001330088.2); c.851C>G, p.Ala284Gly (NM_001330091.2, NM_001330092.2); c.3953C>G, p.Ala1318Gly (NM_001330093.2); c.3944C>G, p.Ala1315Gly (NM_001330094.2); c.761C>G, p.Ala254Gly (NM_001330097.2, NM_138735.5); and 6 more; short protein forms A1262G, A1272G, A1318G, A1297G, A1311G, A1315G, A1252G, A1267G.
Identifiers: ClinVar variation 3713838 (VCV003713838.2).

ClinVar aggregate classification (germline): Uncertain significance (1 of 4 stars; one submission).

Conditions:
Pitt-Hopkins-like syndrome 2 (PTHSL2). Identifiers: Orphanet 221150, Orphanet 600663, MedGen C3280479, MONDO:0013690, OMIM 614325.

gnomAD v4.1: 4 of 1,613,870 alleles (0.00025%); highest among the groups gnomAD compares: African/African-American, 0.0053%; no homozygotes.

Submission:

Labcorp Genetics (formerly Invitae), Labcorp
Classification: Uncertain significance for Pitt-Hopkins-like syndrome 2. Last evaluated: 2024-03-02. Review status: criteria provided, single submitter. Criteria: Invitae Variant Classification Sherloc (09022015). Collection method: clinical testing. Allele origin: germline.
Comment: This sequence change replaces alanine, which is neutral and non-polar, with glycine, which is neutral and non-polar, at codon 1359 of the NRXN1 protein (p.Ala1359Gly). This variant is present in population databases (no rsID available, gnomAD 0.008%). This variant has not been reported in the literature in individuals affected with NRXN1-related conditions. Advanced modeling of protein sequence and biophysical properties (such as structural, functional, and spatial information, amino acid conservation, physicochemical variation, residue mobility, and thermodynamic stability) performed at Invitae indicates that this missense variant is not expected to disrupt NRXN1 protein function with a negative predictive value of 80%. In summary, the available evidence is currently insufficient to determine the role of this variant in disease. Therefore, it has been classified as a Variant of Uncertain Significance.